The following is an entry in ClinVar:

ClinVar aggregate classification (germline): Uncertain significance. Review status: criteria provided, multiple submitters, no conflicts (2 of 4 stars). 2 submissions from 2 submitters: Uncertain significance (2). Last evaluated 2023-05-25.

Conditions:
Hereditary cancer-predisposing syndrome. Also called: Hereditary Cancer Syndrome; Hereditary neoplastic syndrome; Neoplastic Syndromes, Hereditary; Tumor predisposition. Identifiers: Orphanet 140162, MedGen C0027672, MeSH D009386, MONDO:0015356.

Submissions (2):

Ambry Genetics
Classification: Uncertain significance for Hereditary cancer-predisposing syndrome. Last evaluated: 2023-05-25. Review status: criteria provided, single submitter. Criteria: Ambry Variant Classification Scheme 2023. Collection method: clinical testing. Allele origin: germline.
Comment: The p.I941V variant (also known as c.2821A>G), located in coding exon 24 of the POLE gene, results from an A to G substitution at nucleotide position 2821. The isoleucine at codon 941 is replaced by valine, an amino acid with highly similar properties. This amino acid position is conserved. In addition, this alteration is predicted to be tolerated by in silico analysis. Since supporting evidence is limited at this time, the clinical significance of this alteration remains unclear.

Labcorp Genetics (formerly Invitae), Labcorp
Classification: Uncertain significance. Last evaluated: 2019-04-17. Review status: criteria provided, single submitter. Criteria: Invitae Variant Classification Sherloc (09022015). Collection method: clinical testing. Allele origin: germline.
Comment: This sequence change replaces isoleucine with valine at codon 941 of the POLE protein (p.Ile941Val). The isoleucine residue is highly conserved and there is a small physicochemical difference between isoleucine and valine. This variant is not present in population databases (ExAC no frequency). This variant has not been reported in the literature in individuals with POLE-related disease. ClinVar contains an entry for this variant (Variation ID: 405893). Algorithms developed to predict the effect of missense changes on protein structure and function (SIFT, PolyPhen-2, Align-GVGD) all suggest that this variant is likely to be tolerated, but these predictions have not been confirmed by published functional studies and their clinical significance is uncertain. In summary, the available evidence is currently insufficient to determine the role of this variant in disease. Therefore, it has been classified as a Variant of Uncertain Significance.

NM_006231.4(POLE):c.2821A>G (p.Ile941Val)

Gene: POLE (DNA polymerase epsilon, catalytic subunit; minus strand). Cytogenetic location: 12q24.33.
Variant type: single nucleotide variant.
Coding change: c.2821A>G on transcript NM_006231.4 (MANE Select); coding-DNA position 2821, A replaced by G.
Protein change: p.Ile941Val; replaces isoleucine 941 with valine.
Molecular consequence: missense variant.
Genome position (GRCh38, 1-based): chr12:132,661,570, T>C on the plus strand (A>G on the coding strand, the complement: POLE is on the minus strand). VCF-style: chr12-132661570-T-C. GRCh37 (hg19) VCF-style: chr12-133238156-T-C.
Other names: c.2821A>G (NM_006231.2); short protein forms I941V.
Identifiers: ClinVar variation 405893 (VCV000405893.12), dbSNP rs1060500887, ClinGen allele CA16613904.